The following is an entry in ClinVar:

ClinVar aggregate classification (germline): Pathogenic (1 of 4 stars; one submission).

Conditions:
Hereditary cancer-predisposing syndrome. Also called: Neoplastic Syndromes, Hereditary; Tumor predisposition; Hereditary neoplastic syndrome; Hereditary Cancer Syndrome. Identifiers: Orphanet 140162, MedGen C0027672, MeSH D009386, MONDO:0015356.

Submission:

Ambry Genetics
Classification: Pathogenic for Hereditary cancer-predisposing syndrome. Last evaluated: 2024-03-05. Review status: criteria provided, single submitter. Criteria: Ambry Variant Classification Scheme 2023. Collection method: clinical testing. Allele origin: germline.
Comment: The c.4624delC pathogenic mutation, located in coding exon 22 of the DICER1 gene, results from a deletion of one nucleotide at nucleotide position 4624, causing a translational frameshift with a predicted alternate stop codon (p.Q1542Sfs*18). This variant is considered to be rare based on population cohorts in the Genome Aggregation Database (gnomAD). This alteration is expected to result in loss of function by premature protein truncation or nonsense-mediated mRNA decay. As such, this alteration is interpreted as a disease-causing mutation.

NM_177438.3(DICER1):c.4624del (p.Gln1542fs)

Gene: DICER1 (dicer 1, ribonuclease III; minus strand). Cytogenetic location: 14q32.13.
Variant type: Deletion.
Coding change: c.4624del on transcript NM_177438.3 (MANE Select); coding-DNA position 4624, one base deleted (C; older notation c.4624delC).
Protein change: p.Gln1542fs; shifts the reading frame from glutamine 1542.
Molecular consequence: frameshift variant. On other transcripts: non-coding transcript variant (6).
Genome position (GRCh38, 1-based): chr14:95,096,296, G deleted on the plus strand (C on the coding strand, the reverse complement: DICER1 is on the minus strand). VCF-style (leftmost placement, unchanged base first): chr14-95096295-TG-T. GRCh37 (hg19) VCF-style: chr14-95562632-TG-T.
Other names: c.4624del, p.Gln1542fs (NM_001195573.1, NM_001271282.3, NM_001291628.2 and 12 more transcripts); c.4624delC, p.Gln1542Serfs (NM_001395681.1); c.4342del, p.Gln1448fs (NM_001395686.1); c.4219del, p.Gln1407fs (NM_001395687.1, NM_001395688.1, NM_001395689.1 and 2 more transcripts); c.4057del, p.Gln1353fs (NM_001395691.1); c.2941del, p.Gln981fs (NM_001395697.1); short protein forms Q1353fs, Q1407fs, Q1448fs, Q1542fs, Q981fs.
Identifiers: ClinVar variation 3229416 (VCV003229416.1), dbSNP rs2542493021, ClinGen allele CA2825002248.